The following is an entry in ClinVar:

NM_001384950.1(NLRC5):c.*285C>T

Gene: NLRC5 (NLR family CARD domain containing 5; plus strand). Cytogenetic location: 16q13.
Variant type: single nucleotide variant.
Coding change: c.*285C>T on transcript NM_001384950.1 (MANE Select); 285 bases downstream of the stop codon, C replaced by T.
Molecular consequence: 3 prime UTR variant. On other transcripts: non-coding transcript variant (8).
Genome position (GRCh38, 1-based): chr16:57,082,813, C>T. VCF-style: chr16-57082813-C-T. GRCh37 (hg19) VCF-style: chr16-57116725-C-T.
Other names: c.*285C>T (NM_001330552.2, NM_001384951.1, NM_001384952.1 and 9 more transcripts).
Identifiers: ClinVar variation 103152 (VCV000103152.2), dbSNP rs199476025, ClinGen allele CA230194.

ClinVar aggregate classification (germline): not provided (0 of 4 stars; one submission).

Allele frequency attached by ClinVar (database versions not stated): TOPMed 0.00003; gnomAD 0.00004; gnomAD exomes 0.00004.
gnomAD v4.1: 12 of 321,706 alleles (0.0037%); highest among the groups gnomAD compares: East Asian, 0.0058%; no homozygotes.

Submission:

Human Evolutionary Genetics, Institut Pasteur
No classification provided. Review status: no classification provided. Collection method: not provided. Allele origin: germline.
ClinVar note: Converted during submission from untested to not provided.